The following is an entry in ClinVar:

ClinVar aggregate classification (germline): Pathogenic. Review status: criteria provided, multiple submitters, no conflicts (2 of 4 stars). 2 submissions from 2 submitters: Pathogenic (2). Last evaluated 2025-05-20.

Conditions:
Pheochromocytoma. Also called: MAX-Related Hereditary Paraganglioma-Pheochromocytoma Syndrome. Identifiers: Orphanet 29072, MedGen C0031511, MONDO:0008233, OMIM 171300, HP:0002666.
Carney-Stratakis syndrome. Also called: PARAGANGLIOMA AND GASTROINTESTINAL STROMAL TUMOR. Identifiers: Orphanet 97286, MedGen C1847319, MONDO:0011740, OMIM 606864.
Cowden syndrome 3 (CWS3). Identifiers: Orphanet 201, MedGen CN166604, MONDO:0014045.
Paragangliomas with sensorineural hearing loss. Identifiers: MedGen C1868633.
Pheochromocytoma/paraganglioma syndrome 1. Also called: PARAGANGLIOMATA; Paragangliomas 1; Glomus tumors familial 1; Paraganglioma - glomus jugulare; SDHD-Related Hereditary Paraganglioma-Pheochromocytoma Syndrome; PARAGANGLIOMAS, FAMILIAL NONCHROMAFFIN, 1. Identifiers: Orphanet 29072, MedGen C3494181, MONDO:0008192, OMIM 168000.

Submissions (3):

Myriad Genetics, Inc.
Classification: Pathogenic for Pheochromocytoma/paraganglioma syndrome 1. Last evaluated: 2025-05-20. Review status: criteria provided, single submitter. Criteria: Myriad Autosomal Dominant, Autosomal Recessive and X-Linked Classification Criteria (2023). Collection method: clinical testing. Allele origin: unknown.
Comment: This variant is considered pathogenic. This variant occurs within a consensus splice junction and is predicted to result in abnormal mRNA splicing of either an out-of-frame exon or an in-frame exon necessary for protein stability and/or normal function. This variant has been reported in multiple individuals with clinical features of gene-specific disease [PMID: 31492822, 15328326, 22573489, 29386252, 36841802, 25300370, 18211978, 27856506, 21937622].

Labcorp Genetics (formerly Invitae), Labcorp
Classification: Pathogenic for Carney-Stratakis syndrome; Paragangliomas with sensorineural hearing loss; Pheochromocytoma; Cowden syndrome 3. Last evaluated: 2024-07-16. Review status: criteria provided, single submitter. Criteria: Invitae Variant Classification Sherloc (09022015). Collection method: clinical testing. Allele origin: germline.
Comment: This sequence change affects a donor splice site in intron 1 of the SDHD gene. It is expected to disrupt RNA splicing. Variants that disrupt the donor or acceptor splice site typically lead to a loss of protein function (PMID: 16199547), and loss-of-function variants in SDHD are known to be pathogenic (PMID: 19454582, 19802898). This variant is not present in population databases (gnomAD no frequency). Disruption of this splice site has been observed in individuals with paraganglioma (Invitae). Algorithms developed to predict the effect of sequence changes on RNA splicing suggest that this variant may disrupt the consensus splice site. For these reasons, this variant has been classified as Pathogenic.

Dr. Peter K. Rogan Lab, Western University
No classification provided (evidence only). Condition: Thyroid cancer, nonmedullary, 1. Review status: no classification provided. Collection method: in vitro. Allele origin: not applicable. Functional consequence: retained intron. Not counted in ClinVar's aggregate classification.

Literature cited by the submitters: PubMed 31492822 (cited by Myriad Genetics, Inc.); PubMed 15328326 (cited by Myriad Genetics, Inc.); PubMed 22573489 (cited by Myriad Genetics, Inc.); PubMed 29386252 (cited by Myriad Genetics, Inc.); PubMed 36841802 (cited by Myriad Genetics, Inc.); PubMed 25300370 (cited by Myriad Genetics, Inc.); PubMed 18211978 (cited by Myriad Genetics, Inc.); PubMed 27856506 (cited by Myriad Genetics, Inc.); PubMed 21937622 (cited by Myriad Genetics, Inc.); PubMed 16199547 (cited by Labcorp Genetics (formerly Invitae), Labcorp); PubMed 19454582 (cited by Labcorp Genetics (formerly Invitae), Labcorp); PubMed 19802898 (cited by Labcorp Genetics (formerly Invitae), Labcorp).

NM_003002.4(SDHD):c.52+1G>T

Genes: SDHD (succinate dehydrogenase complex subunit D; plus strand), LOC126861339 (BRD4-independent group 4 enhancer GRCh37_chr11:111957035-111958234; plus strand). Cytogenetic location: 11q23.1.
Variant type: single nucleotide variant.
Coding change: c.52+1G>T on transcript NM_003002.4 (MANE Select); the canonical splice donor site of the intron after coding-DNA position 52, G replaced by T.
Molecular consequence: splice donor variant.
Genome position (GRCh38, 1-based): chr11:112,086,960, G>T. VCF-style: chr11-112086960-G-T. GRCh37 (hg19) VCF-style: chr11-111957684-G-T.
Other names: c.52+1G>T (NM_001276506.2, NM_001276503.2, NM_001276504.2).
Identifiers: ClinVar variation 3757250 (VCV003757250.4).